The following is an entry in ClinVar:

NM_000315.4(PTH):c.168dup (p.Lys57Ter)

Gene: PTH (parathyroid hormone; minus strand). Cytogenetic location: 11p15.3.
Variant type: Duplication.
Coding change: c.168dup on transcript NM_000315.4 (MANE Select); coding-DNA position 168, one base duplicated (T; older notation c.168dupT).
Protein change: p.Lys57Ter; replaces lysine 57 with a stop codon.
Molecular consequence: nonsense.
Genome position (GRCh38, 1-based): chr11:13,492,585, A duplicated on the plus strand (T on the coding strand, the reverse complement: PTH is on the minus strand). VCF-style (leftmost placement, unchanged base first): chr11-13492584-T-TA. GRCh37 (hg19) VCF-style: chr11-13514131-T-TA.
Other names: c.264dup, p.Lys89Ter (NM_001316352.2); c.264dup (NM_001316352.1); short protein forms K89*, K57*.
Identifiers: ClinVar variation 3722898 (VCV003722898.3).
Genomic context (GRCh38, chr11:13,492,584, plus strand): 5'-CATCTCTGGGAGCTAGAGGAGCTCCAAGGGCAACAAAATTGTGCACATCCTGCAGCTTCT[T>TA]ACGCAGCCATTCTACTCTCTCCATCGAGTTCAGATGTTTTCCCAGGTTATGCATAAGCTG-3'

ClinVar aggregate classification (germline): Conflicting classifications of pathogenicity. Review status: criteria provided, conflicting classifications (1 of 4 stars). 3 submissions from 3 submitters: Pathogenic (1); Likely pathogenic (1); Uncertain significance (1). Last evaluated 2025-11-17.

Conditions:
Hypoparathyroidism, familial isolated 1 (FIH1). Identifiers: MedGen C5241444, MONDO:0007796, OMIM 146200.

Submissions (3):

Genetics and Genomic Medicine Centre, NeuroGen Healthcare, NeuroGen Healthcare
Classification: Pathogenic for Hypoparathyroidism, familial isolated 1. Last evaluated: 2025-11-17. Review status: criteria provided, single submitter. Criteria: ACMG Guidelines, 2015. Collection method: clinical testing. Allele origin: unknown. Affected: yes.

Labcorp Genetics (formerly Invitae), Labcorp
Classification: Uncertain significance. Last evaluated: 2024-10-15. Review status: criteria provided, single submitter. Criteria: Invitae Variant Classification Sherloc (09022015). Collection method: clinical testing. Allele origin: germline.
Comment: This sequence change creates a premature translational stop signal (p.Lys57*) in the PTH gene. While this is not anticipated to result in nonsense mediated decay, it is expected to disrupt the last 59 amino acid(s) of the PTH protein. This variant is not present in population databases (gnomAD no frequency). This premature translational stop signal has been observed in individual(s) with PTH-related conditions (internal data). Experimental studies and prediction algorithms are not available or were not evaluated, and the functional significance of this variant is currently unknown. In summary, the available evidence is currently insufficient to determine the role of this variant in disease. Therefore, it has been classified as a Variant of Uncertain Significance.

Kasturba Medical College, Manipal, Kasturba Medical College, Manipal, Manipal Academy of Higher Education, Manipal, India
Classification: Likely pathogenic for Hypoparathyroidism, familial isolated 1. Review status: criteria provided, single submitter. Criteria: ACMG Guidelines, 2015. Collection method: research. Allele origin: biparental. Inheritance: Autosomal recessive inheritance. Affected: yes. Observed: 1 homozygote.
Comment: This variant is present in heterozygous state in one individual and absent in homozygous state in the population database gnomAD (v4.1.0). This variant is absent in homozygous and/or heterozygous state in our in-house database of 3596 individuals. This variant has been reported in ClinVar by one submitter as variant of uncertain significance (VCV0003722898.1).